The following is an entry in ClinVar:

NM_133433.4(NIPBL):c.5930A>G (p.Asn1977Ser)

Gene: NIPBL (NIPBL cohesin loading factor; plus strand). Cytogenetic location: 5p13.2.
Variant type: single nucleotide variant.
Coding change: c.5930A>G on transcript NM_133433.4 (MANE Select); coding-DNA position 5930, A replaced by G.
Protein change: p.Asn1977Ser; replaces asparagine 1977 with serine.
Molecular consequence: missense variant.
Genome position (GRCh38, 1-based): chr5:37,036,446, A>G. VCF-style: chr5-37036446-A-G. GRCh37 (hg19) VCF-style: chr5-37036548-A-G.
Other names: c.5930A>G, p.Asn1977Ser (NM_015384.5); short protein forms N1977S.
Identifiers: ClinVar variation 3364257 (VCV003364257.1).

ClinVar aggregate classification (germline): Uncertain significance (1 of 4 stars; one submission).

Submission:

GeneDx
Classification: Uncertain significance. Last evaluated: 2024-04-17. Review status: criteria provided, single submitter. Criteria: GeneDx Variant Classification Process June 2021. Collection method: clinical testing. Allele origin: germline. Affected: yes.
Comment: Not observed at significant frequency in large population cohorts (gnomAD); In silico analysis indicates that this missense variant does not alter protein structure/function; Has not been previously published as pathogenic or benign to our knowledge